The following is an entry in ClinVar:

ClinVar aggregate classification (germline): Conflicting classifications of pathogenicity. Review status: criteria provided, conflicting classifications (1 of 4 stars). 5 submissions from 5 submitters: Uncertain significance (2); Benign (2); Likely benign (1). Last evaluated 2026-05-06.

Conditions:
Endometrial carcinoma. Also called: Endometrial carcinoma, somatic. Identifiers: MedGen C0476089, MONDO:0002447, OMIM 608089, HP:0012114.
Colorectal cancer, hereditary nonpolyposis, type 7. Identifiers: Orphanet 144, MedGen C1858380, MONDO:0013725, OMIM 614385.
Colorectal cancer. Also called: Colorectal cancer, somatic; Malignant Colorectal Neoplasm. Identifiers: MedGen C0346629, MONDO:0005575, OMIM 114500.

Allele frequency attached by ClinVar (database versions not stated): gnomAD 0.00004 and 0.00005; gnomAD exomes 0.00005 and 0.00014; TOPMed 0.00009; ExAC 0.00015; 1000 Genomes Project 30x 0.00016; 1000 Genomes Project 0.00020.
gnomAD v4.1: 79 of 1,614,172 alleles (0.0049%); highest among the groups gnomAD compares: East Asian, 0.18%; no homozygotes.

Submissions (7):

Myriad Genetics, Inc.
Classification: Benign for Colorectal cancer, hereditary nonpolyposis, type 7. Last evaluated: 2026-05-06. Review status: criteria provided, single submitter. Criteria: Myriad Autosomal Dominant, Autosomal Recessive and X-Linked Classification Criteria (2023). Collection method: clinical testing. Allele origin: unknown.
Comment: This variant is considered benign. This variant is a silent/synonymous amino acid change and it is not expected to impact splicing.

Labcorp Genetics (formerly Invitae), Labcorp
Classification: Benign for Colorectal cancer, hereditary nonpolyposis, type 7. Last evaluated: 2026-01-27. Review status: criteria provided, single submitter. Criteria: Invitae Variant Classification Sherloc (09022015). Collection method: clinical testing. Allele origin: germline.

Department of Pathology and Laboratory Medicine, Sinai Health System
Classification: Uncertain significance for Colorectal cancer; Endometrial carcinoma; Colorectal cancer, hereditary nonpolyposis, type 7. Last evaluated: 2025-02-11. Review status: criteria provided, single submitter. Criteria: ACMG Guidelines, 2015. Collection method: clinical testing. Allele origin: germline.

Ambry Genetics
Classification: Likely benign. Last evaluated: 2020-11-12. Review status: criteria provided, single submitter. Criteria: Ambry Variant Classification Scheme 2023. Collection method: clinical testing. Allele origin: germline.

Illumina Laboratory Services, Illumina
Classification: Uncertain significance for Colorectal cancer, hereditary nonpolyposis, type 7. Last evaluated: 2018-01-13. Review status: criteria provided, single submitter. Criteria: ICSL Variant Classification Criteria 13 December 2019. Collection method: clinical testing. Allele origin: germline.

Dr. Peter K. Rogan Lab, Western University
No classification provided (evidence only). Condition: Thymoma. Review status: no classification provided. Collection method: in vitro. Allele origin: not applicable. Functional consequence: retained intron. Not counted in ClinVar's aggregate classification.

Dr. Peter K. Rogan Lab, Western University
No classification provided (evidence only). Condition: Gastric cancer. Review status: no classification provided. Collection method: in vitro. Allele origin: not applicable. Functional consequence: retained intron. Not counted in ClinVar's aggregate classification.

NM_001040108.2(MLH3):c.4032C>T (p.Gly1344=)

Gene: MLH3 (mutL homolog 3; minus strand). Cytogenetic location: 14q24.3.
Variant type: single nucleotide variant.
Coding change: c.4032C>T on transcript NM_001040108.2 (MANE Select); coding-DNA position 4032, C replaced by T.
Protein change: p.Gly1344=; no amino-acid change (glycine 1344 retained).
Molecular consequence: synonymous variant.
Genome position (GRCh38, 1-based): chr14:75,022,872, G>A on the plus strand (C>T on the coding strand, the complement: MLH3 is on the minus strand). VCF-style: chr14-75022872-G-A. GRCh37 (hg19) VCF-style: chr14-75489575-G-A.
Other names: c.3960C>T, p.Gly1320= (NM_014381.3).
Identifiers: ClinVar variation 699403 (VCV000699403.21), dbSNP rs565238806, ClinGen allele CA7275244.
Genomic context (GRCh38, chr14:75,022,872, plus strand): 5'-ACCATGGCAGGCTTGGGATGCCAACACCTTCTGGACAGTCAGTGGCAATGTCCCTTGGAT[G>A]CCTCCGGTGGTCTGGAGTAGCTAATGCATAAACACGTTATTAACAGGAAAAGAAAACGGA-3'
Protein context (NP_001035197.1, residues 1334-1354): EQLELLQTTG[Gly1344=]IQGTLPLTVQ